The following is an entry in ClinVar:

NM_000492.4(CFTR):c.273+3A>C

Gene: CFTR (CF transmembrane conductance regulator; plus strand). Cytogenetic location: 7q31.2.
Variant type: single nucleotide variant.
Coding change: c.273+3A>C on transcript NM_000492.4 (MANE Select); 3 bases into the intron after coding-DNA position 273, A replaced by C.
Molecular consequence: intron variant.
Genome position (GRCh38, 1-based): chr7:117,509,145, A>C. VCF-style: chr7-117509145-A-C. GRCh37 (hg19) VCF-style: chr7-117149199-A-C.
Other names: 405+3A->C.
Identifiers: ClinVar variation 35846 (VCV000035846.20), dbSNP rs74467662, ClinGen allele CA325701.

ClinVar aggregate classification (germline): Pathogenic. Review status: reviewed by expert panel (3 of 4 stars). 10 submissions from 9 submitters: Pathogenic (1). 9 of the submissions do not count toward it. Last evaluated 2017-03-17.

Conditions:
CFTR-related disorder (CFTR-RD). Also called: CFTR-related condition; CFTR-related disorders. Identifiers: MedGen C5924204, MONDO:7770004.
Congenital bilateral aplasia of vas deferens from CFTR mutation (CBAVD). Identifiers: Orphanet 48, MedGen C0403814, MONDO:0010178, OMIM 277180. Disease mechanism: loss of function.
Cystic fibrosis (CF). Also called: MUCOVISCIDOSIS. Identifiers: Orphanet 586, MedGen C0010674, MONDO:0009061, OMIM 219700. Disease mechanism: loss of function.
Bronchiectasis with or without elevated sweat chloride 1 (BESC1). Also called: Cystic Fibrosis-Like Syndrome. Identifiers: Orphanet 60033, MedGen C2749757, MONDO:0008887, OMIM 211400.

Allele frequency attached by ClinVar (database versions not stated): TOPMed 0.00002.

Submissions (10):

CFTR2
Classification: Pathogenic for Cystic fibrosis. Last evaluated: 2017-03-17. Review status: reviewed by expert panel. Criteria: Sosnay PR et al. (Nat Genet 2013). Collection method: research. Allele origin: germline. Affected: yes. Study: CFTR2.

Natera, Inc.
Classification: Likely pathogenic for CFTR-related disorders. Last evaluated: 2025-07-03. Review status: criteria provided, single submitter. Criteria: Natera Variant Classification Schema (03/2026). Collection method: clinical testing. Allele origin: germline. Not counted in ClinVar's aggregate classification.
Comment: The c.273+3A>C variant in CFTR is an intronic variant located outside the canonical splice sites. This variant is rare in the general population with a frequency below the threshold expected for the associated phenotype(s). This variant has been observed in one or more individuals affected with the associated recessive disease, as either homozygous or compound heterozygous with a second variant (PMID: 9683582). Functional studies show that this variant may disrupt protein function (PMID: 33085659). Computational prediction algorithms indicate this variant is likely to affect gene or protein function. Given the available evidence, this variant is classified as Likely Pathogenic.

Labcorp Genetics (formerly Invitae), Labcorp
Classification: Likely pathogenic for Cystic fibrosis. Last evaluated: 2023-08-04. Review status: criteria provided, single submitter. Criteria: Invitae Variant Classification Sherloc (09022015). Collection method: clinical testing. Allele origin: germline. Not counted in ClinVar's aggregate classification.
Comment: In summary, the currently available evidence indicates that the variant is pathogenic, but additional data are needed to prove that conclusively. Therefore, this variant has been classified as Likely Pathogenic. Variants that disrupt the consensus splice site are a relatively common cause of aberrant splicing (PMID: 17576681, 9536098). Algorithms developed to predict the effect of sequence changes on RNA splicing suggest that this variant may disrupt the consensus splice site. ClinVar contains an entry for this variant (Variation ID: 35846). This variant is also known as 405+3A>C. This variant has been observed in individuals with cystic fibrosis (PMID: 23974870). This variant is not present in population databases (gnomAD no frequency). This sequence change falls in intron 3 of the CFTR gene. It does not directly change the encoded amino acid sequence of the CFTR protein. It affects a nucleotide within the consensus splice site.

Women's Health and Genetics/Laboratory Corporation of America, LabCorp
Classification: Pathogenic for Cystic fibrosis. Last evaluated: 2023-06-19. Review status: criteria provided, single submitter. Criteria: LabCorp Variant Classification Summary - May 2015. Collection method: clinical testing. Allele origin: germline. Not counted in ClinVar's aggregate classification.
Comment: Variant summary: CFTR c.273+3A>C alters a conserved nucleotide located close to a canonical splice site and therefore could affect mRNA splicing, leading to a significantly altered protein sequence. Two computational tools predict the variant weakens a canonical 5' donor site and one predicts it abolishes the site. In support of the predicted effect on splicing, Macek et al. point out that cytosine is the least common nucleotide at the +3 position of splice-donor sites, and that mutations at this location have been reported to cause aberrant RNA splicing (Macek_1997). However, these predictions have yet to be confirmed by functional studies. The variant allele was found at a frequency of 4e-06 in 250744 control chromosomes (gnomAD). c.273+3A>C has been reported in the literature in multiple individuals affected with Cystic Fibrosis (e.g. Macek_1997, Watson_2004, Dork_1998, Raraigh_2022, Bresnick_2021), and at least one family was reported as compound heterozygous with another pathogenic variant. In addition, the CFTR2 database reports 10 patients with this variant, stating that this variant causes CF when combined with another CF-causing variant (average sweat chloride levels in patients harboring this variant was found to be 109 mEq/L and 100% of these patients were pancreatic insufficient). These data indicate that the variant is very likely to be associated with disease. The following publications have been ascertained in the context of this evaluation (PMID: 15371902, 15025720, 16049310, 9950364, 12089190, 20616359, 9150159, 21796730, 16244288, 11471192, 22975760, 26708955, 9683582, 34782259, 34857524). Four submitters, including an expert panel (CFTR2), have provided clinical-significance assessments for this variant to ClinVar after 2014, and classified it as pathogenic/likely pathogenic. Based on the evidence outlined above, the variant was classified as pathogenic.

Baylor Genetics
Classification: Pathogenic for Bronchiectasis with or without elevated sweat chloride 1. Last evaluated: 2023-05-04. Review status: criteria provided, single submitter. Criteria: ACMG Guidelines, 2015. Collection method: clinical testing. Allele origin: unknown. Not counted in ClinVar's aggregate classification.

Blueprint Genetics
Classification: Likely pathogenic for CFTR-related disorders. Last evaluated: 2022-11-17. Review status: criteria provided, single submitter. Criteria: ACMG Guidelines, 2015. Collection method: clinical testing. Allele origin: germline. Affected: yes. Observed: 1 variant allele. Not counted in ClinVar's aggregate classification.

Mayo Clinic Laboratories, Mayo Clinic
Classification: Pathogenic. Last evaluated: 2022-09-07. Review status: criteria provided, single submitter. Criteria: ACMG Guidelines, 2015. Collection method: clinical testing. Allele origin: germline. Observed: 1 variant allele. Not counted in ClinVar's aggregate classification.
Comment: PP3, PM2, PM3_very_strong

Ambry Genetics
Classification: Likely pathogenic for Cystic fibrosis. Last evaluated: 2020-01-10. Review status: criteria provided, single submitter. Criteria: Ambry Variant Classification Scheme 2023. Collection method: clinical testing. Allele origin: germline. Not counted in ClinVar's aggregate classification.
Comment: The c.273+3A>C intronic variant results from an A to C substitution 3 nucleotides after coding exon 3 in the CFTR gene. In one study, this variant was identified in two African American individuals with cystic fibrosis (CF) and it has been described as a common African American CF mutation (Macek M et al. Am. J. Hum. Genet., 1997 May;60:1122-7). In our internal cohort, this variant was identified with a known CF mutation in multiple diagnostic cases in our laboratory; however, the phase is not known (Ambry internal data). This nucleotide position is conserved in available vertebrate species. This variant was not reported in the gnomAD database, with coverage at this position. Using the BDGP and ESEfinder splice site prediction tools, this alteration is predicted to weaken the efficiency of the native splice donor site; however, direct evidence is unavailable. Based on the majority of available evidence to date, this variant is likely to be pathogenic.

Myriad Genetics, Inc.
Classification: Likely pathogenic for Cystic fibrosis. Last evaluated: 2019-12-04. Review status: criteria provided, single submitter. Criteria: Myriad Women's Health Autosomal Recessive and X-Linked Classification Criteria (2019). Collection method: clinical testing. Allele origin: unknown. Not counted in ClinVar's aggregate classification.
Comment: NM_000492.3(CFTR):c.273+3A>C(aka 405+3A>C) is classified as likely pathogenic in the context of cystic fibrosis. Sources cited for classification include the following: PMID 9150159 and 11388756. Classification of NM_000492.3(CFTR):c.273+3A>C(aka 405+3A>C) is based on the following criteria: This variant has been observed more frequently in patients with clinical diagnoses than in healthy populations. Please note: this variant was assessed in the context of healthy population screening.

Baylor Genetics
Classification: Pathogenic for Congenital bilateral aplasia of vas deferens from CFTR mutation; Cystic fibrosis. Review status: criteria provided, single submitter. Criteria: ACMG Guidelines, 2015. Collection method: clinical testing. Allele origin: germline. Not counted in ClinVar's aggregate classification.

Literature cited by the submitters: PubMed 9683582 (cited by Natera, Inc. and Women's Health and Genetics/Laboratory Corporation of America, LabCorp); PubMed 33085659 (cited by Natera, Inc.); PubMed 17576681 (cited by Labcorp Genetics (formerly Invitae), Labcorp); PubMed 9536098 (cited by Labcorp Genetics (formerly Invitae), Labcorp); PubMed 23974870 (cited by Labcorp Genetics (formerly Invitae), Labcorp); PubMed 15371902 (cited by Women's Health and Genetics/Laboratory Corporation of America, LabCorp); PubMed 15025720 (cited by Women's Health and Genetics/Laboratory Corporation of America, LabCorp); PubMed 16049310 (cited by Women's Health and Genetics/Laboratory Corporation of America, LabCorp); PubMed 9950364 (cited by Women's Health and Genetics/Laboratory Corporation of America, LabCorp); PubMed 12089190 (cited by Women's Health and Genetics/Laboratory Corporation of America, LabCorp); PubMed 20616359 (cited by Women's Health and Genetics/Laboratory Corporation of America, LabCorp); PubMed 9150159 (cited by 4 submitters); PubMed 21796730 (cited by Women's Health and Genetics/Laboratory Corporation of America, LabCorp); PubMed 16244288 (cited by Women's Health and Genetics/Laboratory Corporation of America, LabCorp); PubMed 11471192 (cited by Women's Health and Genetics/Laboratory Corporation of America, LabCorp); PubMed 22975760 (cited by Women's Health and Genetics/Laboratory Corporation of America, LabCorp and Mayo Clinic Laboratories, Mayo Clinic); PubMed 26708955 (cited by Women's Health and Genetics/Laboratory Corporation of America, LabCorp and Mayo Clinic Laboratories, Mayo Clinic); PubMed 34782259 (cited by Women's Health and Genetics/Laboratory Corporation of America, LabCorp); PubMed 34857524 (cited by Women's Health and Genetics/Laboratory Corporation of America, LabCorp); PubMed 18456578 (cited by Mayo Clinic Laboratories, Mayo Clinic); PubMed 25525159 (cited by Mayo Clinic Laboratories, Mayo Clinic); PubMed 31036917 (cited by Mayo Clinic Laboratories, Mayo Clinic); PubMed 11388756 (cited by Myriad Genetics, Inc.).